The following is an entry in ClinVar:

ClinVar aggregate classification (germline): Uncertain significance. Review status: criteria provided, multiple submitters, no conflicts (2 of 4 stars). 2 submissions from 2 submitters: Uncertain significance (2). Last evaluated 2025-06-09.

Conditions:
Cardiomyopathy (CMYO). Also called: Cardiomyopathies. Identifiers: Orphanet 167848, MedGen C0878544, MONDO:0004994, HP:0001638. Inheritance: Various modes of inheritance.
Hypertrophic cardiomyopathy. Also called: HYPERTROPHIC MYOCARDIOPATHY. Identifiers: Orphanet 217569, MedGen C0007194, MeSH D002312, MONDO:0005045, HP:0001639.

Allele frequency attached by ClinVar (database versions not stated): TOPMed below 0.00001.

Submissions (2):

Color Diagnostics, LLC DBA Color Health
Classification: Uncertain significance for Cardiomyopathy. Last evaluated: 2025-06-09. Review status: criteria provided, single submitter. Criteria: ACMG Guidelines, 2015. Collection method: clinical testing. Allele origin: germline.
Comment: This missense variant replaces alanine with valine at codon 25 of the TPM1 protein. Computational prediction tool is inconclusive regarding the impact of this variant on protein structure and function. To our knowledge, functional studies have not been reported for this variant. This variant has been reported in two individuals from one family affected with hypertrophic cardiomyopathy (PMID: 38002985). This variant has not been identified in the general population by the Genome Aggregation Database (gnomAD). The available evidence is insufficient to determine the role of this variant in disease conclusively. Therefore, this variant is classified as a Variant of Uncertain Significance.

Labcorp Genetics (formerly Invitae), Labcorp
Classification: Uncertain significance for Hypertrophic cardiomyopathy. Last evaluated: 2023-07-20. Review status: criteria provided, single submitter. Criteria: Invitae Variant Classification Sherloc (09022015). Collection method: clinical testing. Allele origin: germline.
Comment: This sequence change replaces alanine, which is neutral and non-polar, with valine, which is neutral and non-polar, at codon 25 of the TPM1 protein (p.Ala25Val). This variant is not present in population databases (gnomAD no frequency). This variant has not been reported in the literature in individuals affected with TPM1-related conditions. ClinVar contains an entry for this variant (Variation ID: 1503985). An algorithm developed to predict the effect of missense changes on protein structure and function (PolyPhen-2) suggests that this variant is likely to be disruptive. In summary, the available evidence is currently insufficient to determine the role of this variant in disease. Therefore, it has been classified as a Variant of Uncertain Significance.

Literature cited by the submitters: PubMed 38002985 (cited by Color Diagnostics, LLC DBA Color Health).

NM_001018005.2(TPM1):c.74C>T (p.Ala25Val)

Gene: TPM1 (tropomyosin 1; plus strand). Cytogenetic location: 15q22.2.
Variant type: single nucleotide variant.
Coding change: c.74C>T on transcript NM_001018005.2 (MANE Select); coding-DNA position 74, C replaced by T.
Protein change: p.Ala25Val; replaces alanine 25 with valine.
Molecular consequence: missense variant.
Genome position (GRCh38, 1-based): chr15:63,042,903, C>T. VCF-style: chr15-63042903-C-T. GRCh37 (hg19) VCF-style: chr15-63335102-C-T.
Other names: c.74C>T, p.Ala25Val (NM_000366.6, NM_001018004.2, NM_001018006.2 and 7 more transcripts); short protein forms A25V.
Identifiers: ClinVar variation 1503985 (VCV001503985.8), dbSNP rs2031433815, ClinGen allele CA392718073.